The following is an entry in ClinVar:

ClinVar aggregate classification (germline): Uncertain significance (1 of 4 stars; one submission).

Conditions:
OAS1-related disorder. Also called: OAS1-related condition.

Allele frequency attached by ClinVar (database versions not stated): gnomAD exomes below 0.00001.
gnomAD v4.1: 4 of 1,612,372 alleles (0.00025%); highest among the groups gnomAD compares: Non-Finnish European, 0.00034%; no homozygotes.

Submission:

PreventionGenetics, part of Exact Sciences
Classification: Uncertain significance for OAS1-related condition. Last evaluated: 2023-09-29. Review status: criteria provided, single submitter. Criteria: ACMG Guidelines, 2015. Collection method: clinical testing. Allele origin: germline.
Comment: The OAS1 c.470-3C>G variant is predicted to interfere with splicing. To our knowledge, this variant has not been reported in the literature or in a large population database, indicating this variant is rare. Of note, variants that impact splicing of OAS1 have not commonly been reported in the literature. At this time, the clinical significance of this variant is uncertain due to the absence of conclusive functional and genetic evidence.

NM_016816.4(OAS1):c.470-3C>G

Gene: OAS1 (2'-5'-oligoadenylate synthetase 1; plus strand). Cytogenetic location: 12q24.13.
Variant type: single nucleotide variant.
Coding change: c.470-3C>G on transcript NM_016816.4 (MANE Select); 3 bases into the intron before coding-DNA position 470, C replaced by G.
Molecular consequence: intron variant.
Genome position (GRCh38, 1-based): chr12:112,911,048, C>G. VCF-style: chr12-112911048-C-G. GRCh37 (hg19) VCF-style: chr12-113348853-C-G.
Other names: c.470-3C>G (NM_001320151.2, NM_001406022.1, NM_001032409.3 and 1 more transcripts); c.470-50C>G (NM_001406025.1, NM_001406024.1, NM_001406023.1 and 2 more transcripts); c.180+3829C>G (NM_001406030.1, NM_001406029.1, NM_001406027.1 and 1 more transcripts).
Identifiers: ClinVar variation 2634020 (VCV002634020.1), dbSNP rs1279512958, ClinGen allele CA2621042904.
Genomic context (GRCh38, chr12:112,911,048, plus strand): 5'-CAGAGTGACTGAAGGAAATTCAGAGAAGAGCTGACACCTAAGTTGTAGATTTTGCCCGAA[C>G]AGGTCAGTTGACTGGCGGCTATAAACCTAACCCCCAAATCTATGTCAAGCTCATCGAGGA-3'